The following is an entry in ClinVar:

ClinVar aggregate classification (germline): Benign. Review status: criteria provided, multiple submitters, no conflicts (2 of 4 stars). 2 submissions from 2 submitters: Benign (2). Last evaluated 2018-06-14.

Allele frequency attached by ClinVar (database versions not stated): gnomAD exomes 0.01994; gnomAD 0.05024; TOPMed 0.06506; 1000 Genomes Project 0.06929; 1000 Genomes Project 30x 0.07495.

Submissions (2):

GeneDx
Classification: Benign. Last evaluated: 2018-06-14. Review status: criteria provided, single submitter. Criteria: GeneDx Variant Classification (06012015). Collection method: clinical testing. Allele origin: germline. Affected: yes.
Comment: This variant is considered likely benign or benign based on one or more of the following criteria: it is a conservative change, it occurs at a poorly conserved position in the protein, it is predicted to be benign by multiple in silico algorithms, and/or has population frequency not consistent with disease.

Breakthrough Genomics
Classification: Benign. Review status: criteria provided, single submitter. Criteria: ACMG Guidelines, 2015. Collection method: not provided. Allele origin: germline. Inheritance: Autosomal dominant inheritance. Affected: yes.

NM_001103.4(ACTN2):c.449-122G>C

Gene: ACTN2 (actinin alpha 2; plus strand). Cytogenetic location: 1q43.
Variant type: single nucleotide variant.
Coding change: c.449-122G>C on transcript NM_001103.4 (MANE Select); 122 bases into the intron before coding-DNA position 449, G replaced by C.
Molecular consequence: intron variant.
Genome position (GRCh38, 1-based): chr1:236,725,811, G>C. VCF-style: chr1-236725811-G-C. GRCh37 (hg19) VCF-style: chr1-236889111-G-C.
Other names: c.-373-122G>C (NM_001278344.2); c.449-122G>C (NM_001278343.2).
Identifiers: ClinVar variation 672443 (VCV000672443.2), dbSNP rs12081658, ClinGen allele CA39714026.
Genomic context (GRCh38, chr1:236,725,811, plus strand): 5'-CTAAGTGTCATCAGAATTTACTCACCAAGATCAGGGTTCTGGCTCCTATGCACTTGCCGA[G>C]GCTGTAGGAAGAGACCCCCTGGGTGATCGACCCCCTGGGAGGTCTGTTTCAAAAGTGACT-3'